The following is an entry in ClinVar:

ClinVar aggregate classification (germline): Pathogenic (1 of 4 stars; one submission).

Conditions:
Capillary malformation-arteriovenous malformation syndrome. Also called: Capillary malformation-arteriovenous malformation. Identifiers: Orphanet 137667, MedGen C1842180, MONDO:0012016.

Submission:

Labcorp Genetics (formerly Invitae), Labcorp
Classification: Pathogenic for Capillary malformation-arteriovenous malformation syndrome. Last evaluated: 2022-05-25. Review status: criteria provided, single submitter. Criteria: Invitae Variant Classification Sherloc (09022015). Collection method: clinical testing. Allele origin: germline.
Comment: A similar copy number variant has been observed in individual(s) with capillary malformation-arteriovenous malformations (CM-AVM) syndrome (PMID: 29891884). This variant is a gross deletion of the genomic region encompassing exon(s) 1 of the RASA1 gene, which includes the initiator codon. This deletion extends beyond the assayed region for this gene and therefore may encompass additional genes. It is expected to result in an absent or disrupted protein product. Loss-of-function variants in RASA1 are known to be pathogenic (PMID: 24038909). For these reasons, this variant has been classified as Pathogenic.

Literature cited by the submitters: PubMed 29891884; PubMed 24038909.

NC_000005.9:g.(?_86564269)_(86564827_?)del

Gene: RASA1 (RAS p21 protein activator 1; plus strand). Cytogenetic location: 5q14.3.
Variant type: Deletion.
Identifiers: ClinVar variation 2424564 (VCV002424564.2).